The following is an entry in ClinVar:

ClinVar aggregate classification (germline): Pathogenic. Review status: criteria provided, multiple submitters, no conflicts (2 of 4 stars). 27 submissions from 26 submitters: Pathogenic (21). 6 of the submissions do not count toward it. Last evaluated 2026-04-01.

Conditions:
Charcot-Marie-Tooth disease recessive intermediate A (CMTRIA). Also called: CHARCOT-MARIE-TOOTH NEUROPATHY, RECESSIVE INTERMEDIATE A. Identifiers: Orphanet 217055, MedGen C1842197, MONDO:0012014, OMIM 608340.
Charcot-Marie-Tooth disease axonal type 2K (CMT2K). Also called: CHARCOT-MARIE-TOOTH DISEASE, AXONAL, AUTOSOMAL RECESSIVE, TYPE 2K; CHARCOT-MARIE-TOOTH NEUROPATHY, AXONAL, TYPE 2K; Charcot-Marie-Tooth disease type 2K. Identifiers: Orphanet 101097, Orphanet 99944, MedGen C1842983, MONDO:0011916, OMIM 607831.
Charcot-Marie-Tooth disease type 4A. Also called: Charcot-Marie-Tooth disease, demyelinating, autosomal recessive, type 4a. Identifiers: Orphanet 99948, MedGen C1859198, MONDO:0008961, OMIM 214400.
GDAP1-related disorder. Also called: GDAP1-related disorders; GDAP1-related condition.
Charcot-Marie-Tooth disease. Also called: Charcot-Marie-Tooth Neuropathy; Charcot-Marie-Tooth Hereditary Neuropathy. Identifiers: Orphanet 166, MedGen C0007959, MONDO:0015626.
Inborn genetic diseases. Identifiers: MedGen C0950123, MeSH D030342.
Charcot-Marie-Tooth disease, axonal, with vocal cord paresis, autosomal recessive. Also called: CHARCOT-MARIE-TOOTH DISEASE, TYPE 4A, AXONAL FORM; CHARCOT-MARIE-TOOTH NEUROPATHY, AXONAL, WITH VOCAL CORD PARESIS, AUTOSOMAL RECESSIVE; CMT2 WITH VOCAL CORD PARESIS, AUTOSOMAL RECESSIVE. Identifiers: Orphanet 101097, MedGen C1843183, MONDO:0011898, OMIM 607706.

Allele frequency attached by ClinVar (database versions not stated): gnomAD exomes below 0.00001; gnomAD 0.00001.
gnomAD v4.1: 8 of 1,612,166 alleles (0.0005%); highest among the groups gnomAD compares: Non-Finnish European, 0.00034%; no homozygotes.

Submissions 1 to 7 of 27:

Dasa
Classification: Pathogenic. Last evaluated: 2026-04-01. Review status: criteria provided, single submitter. Criteria: DASA Assertion Criteria. Collection method: clinical testing. Allele origin: germline.
Comment: NM_018972.4(GDAP1):c.358C>T (p.Arg120Trp) is a missense variant that results in the substitution of arginine with tryptophan. The affected residue or protein region has prior evidence supporting clinical relevance. Segregation evidence has been reported in affected families. Functional evidence supports a deleterious effect on the gene or gene product (PMID: 21199105; PMID: 21753178). This variant has been recurrently observed in individuals with related phenotype (PMID: 21199105; PMID: 21753178). Multiple computational predictions support a deleterious effect on the gene or gene product. The variant is present at low frequency in population datasets. Based on the available data, this variant is classified as pathogenic.

3billion
Classification: Pathogenic for Charcot-Marie-Tooth disease axonal type 2K. Last evaluated: 2025-09-27. Review status: criteria provided, single submitter. Criteria: ACMG Guidelines, 2015. Collection method: clinical testing. Allele origin: germline. Affected: yes.
Comment: The variant is observed at an extremely low frequency in the gnomAD v4.1.0 dataset (total allele frequency: <0.001%). Predicted Consequence/Location: Missense variant In silico tool predictions suggest damaging effect of the variant on gene or gene product [REVEL: 0.88 (>=0.6, sensitivity 0.68 and specificity 0.92); 3Cnet: 0.99 (> 0.75, sensitivity 0.96 and precision 0.92)]. The same nucleotide change resulting in the same amino acid change has been previously reported as pathogenic/likely pathogenic with strong evidence (ClinVar ID: VCV000004198 /PMID: 14561495 /3billion dataset). The variant has been reported to co-segregate with the disease in at least 7 similarly affected relatives/individuals in at least two unrelated families (PMID: 21199105). Different missense changes at the same codon (p.Arg120Gln, p.Arg120Gly, p.Arg120Leu) have been reported to be associated with GDAP1-related disorder (ClinVar ID: VCV000662601 /PMID: 12601710, 22971097). Therefore, this variant is classified as Pathogenic according to the recommendation of ACMG/AMP guideline.

Labcorp Genetics (formerly Invitae), Labcorp
Classification: Pathogenic for Charcot-Marie-Tooth disease type 4A. Last evaluated: 2025-09-20. Review status: criteria provided, single submitter. Criteria: Invitae Variant Classification Sherloc (09022015). Collection method: clinical testing. Allele origin: germline.
Comment: This sequence change replaces arginine, which is basic and polar, with tryptophan, which is neutral and slightly polar, at codon 120 of the GDAP1 protein (p.Arg120Trp). This variant is present in population databases (rs104894078, gnomAD 0.007%). This missense change has been observed in individuals with autosomal dominant Charcot-Marie-Tooth disease (PMID: 15805163, 21199105, 21753178). It has also been observed to segregate with disease in related individuals. This variant has been reported in individual(s) with autosomal recessive Charcot-Marie-Tooth disease (PMID: 14561495); however, the role of the variant in this condition is currently unclear. ClinVar contains an entry for this variant (Variation ID: 4198). Invitae Evidence Modeling of protein sequence and biophysical properties (such as structural, functional, and spatial information, amino acid conservation, physicochemical variation, residue mobility, and thermodynamic stability) indicates that this missense variant is expected to disrupt GDAP1 protein function with a positive predictive value of 80%. Experimental studies have shown that this missense change affects GDAP1 function (PMID: 18021315, 19782751, 21753178, 21890626). For these reasons, this variant has been classified as Pathogenic.

PreventionGenetics, part of Exact Sciences
Classification: Pathogenic for GDAP1-related condition. Last evaluated: 2025-08-18. Review status: criteria provided, single submitter. Criteria: ACMG Guidelines, 2015. Collection method: clinical testing. Allele origin: germline.
Comment: The GDAP1 c.358C>T variant is predicted to result in the amino acid substitution p.Arg120Trp. This variant has been reported in may individuals and families with autosomal dominant Charcot-Marie-Tooth disease (Claramunt et al. 2005. PubMed ID: 15805163;  Zimoń et al. 2011. PubMed ID: 21753178; Sivera et al. 2010. PubMed ID: 21199105). Functional studies indicate this variant results in aberrant mitochondrial fusion (Niemann et al. 2009. PubMed ID: 19782751). This variant is reported in 0.0065% of alleles in individuals of European (non-Finnish) descent in gnomAD. This variant is interpreted as pathogenic for autosomal dominant GDAP1-related disorders.

Athena Diagnostics
Classification: Pathogenic. Last evaluated: 2025-08-06. Review status: criteria provided, single submitter. Criteria: Athena Diagnostics Criteria. Collection method: clinical testing. Allele origin: unknown.
Comment: The frequency of this variant in the general population is consistent with pathogenicity (Genome Aggregation Database (gnomAD), Cambridge, MA (URL)). This variant has been identified in multiple unrelated individuals with clinical features associated with this gene. This variant segregates with disease in multiple families. Assessment of experimental evidence suggests this variant results in abnormal protein function. (PMID: 21753178, 19782751)

Victorian Clinical Genetics Services, Murdoch Childrens Research Institute
Classification: Pathogenic for Charcot-Marie-Tooth disease axonal type 2K. Last evaluated: 2025-07-30. Review status: criteria provided, single submitter. Criteria: ACMG Guidelines, 2015. Collection method: clinical testing. Allele origin: germline. Affected: yes.
Comment: This variant is classified as Pathogenic. Evidence in support of pathogenic classification: Variant is present in gnomAD <0.01 (v4: 8 heterozygote(s), 0 homozygote(s)); This variant has strong previous evidence of pathogenicity in unrelated individuals. This variant has been classified as pathogenic by clinical laboratories in ClinVar, and reported in the literature in the heterozygous state in families with autosomal dominant Charcot-Marie-Tooth disease (PMID: 21199105); Missense variant predicted to be damaging by in silico tool(s) or highly conserved with a major amino acid change. Additional information: Variant is predicted to result in a missense amino acid change from Arg to Trp; This variant is heterozygous; This gene is associated with both recessive and dominant disease. GDAP1 is associated with both dominant and recessive forms of CMT; however, the dominant condition generally presents with a milder phenotype and later onset (OMIM); Alternative amino acid change(s) at the same position are present in gnomAD (highest allele count: v4: 6 heterozygote(s), 0 homozygote(s)); Variant is not located in an established domain, motif, hotspot or informative constraint region; Loss of function is a known mechanism of disease and is associated with a spectrum of Charcot-Marie-Tooth disease (OMIM); Inheritance information for this variant is not currently available in this individual.

CeGaT Center for Human Genetics Tuebingen
Classification: Pathogenic. Last evaluated: 2024-10-01. Review status: criteria provided, single submitter. Criteria: CeGaT Center For Human Genetics Tuebingen Variant Classification Criteria Version 2. Collection method: clinical testing. Allele origin: germline. Affected: yes. Observed: 5 variant alleles.
Comment: GDAP1: PM1, PM2, PM5, PP1:Moderate, PS3:Moderate, PS4:Moderate, PP3

NM_018972.4(GDAP1):c.358C>T (p.Arg120Trp)

Gene: GDAP1 (ganglioside induced differentiation associated protein 1; plus strand). Cytogenetic location: 8q21.11.
Variant type: single nucleotide variant.
Coding change: c.358C>T on transcript NM_018972.4 (MANE Select); coding-DNA position 358, C replaced by T.
Protein change: p.Arg120Trp; replaces arginine 120 with tryptophan.
Molecular consequence: missense variant. On other transcripts: intron variant (1).
Genome position (GRCh38, 1-based): chr8:74,360,184, C>T. VCF-style: chr8-74360184-C-T. GRCh37 (hg19) VCF-style: chr8-75272419-C-T.
Other names: c.154C>T, p.Arg52Trp (NM_001040875.4); c.31C>T, p.Arg11Trp (NM_001362929.2, NM_001362932.2); c.358C>T, p.Arg120Trp (NM_001362931.2); c.311-1700C>T (NM_001362930.2); short protein forms R120W, R11W, R52W.
Identifiers: ClinVar variation 4198 (VCV000004198.85), dbSNP rs104894078, ClinGen allele CA339359.
Genomic context (GRCh38, chr8:74,360,184, plus strand): 5'-GTGTGTATTTTAGAAAGAACACCCAGGTTAATGCCTGATAAAGAAAGCATGTATTACCCA[C>T]GGGTACAACATTACCGAGAGCTGCTTGACTCCTTGCCAATGGATGCCTATACACATGGCT-3'
Protein context (NP_061845.2, residues 110-130): MPDKESMYYP[Arg120Trp]VQHYRELLDS